The following is an entry in ClinVar:

NM_144687.4(NLRP12):c.634_636dup (p.Thr212_Val213insThr)

Gene: NLRP12 (NLR family pyrin domain containing 12; minus strand). Cytogenetic location: 19q13.42.
Variant type: Duplication.
Coding change: c.634_636dup on transcript NM_144687.4 (MANE Select); coding-DNA positions 634 to 636, 3 bases duplicated (ACC; older notation c.634_636dupACC).
Protein change: p.Thr212_Val213insThr.
Molecular consequence: inframe insertion.
Genome position (GRCh38, 1-based): chr19:53,811,023-53,811,025, GGT duplicated on the plus strand (ACC on the coding strand, the reverse complement: NLRP12 is on the minus strand); duplicating any 3 consecutive bases within chr19:53,811,023-53,811,026 gives the same sequence; the c. name uses the placement nearest the transcript's 3' end. VCF-style (leftmost placement, unchanged base first): chr19-53811022-C-CGGT. GRCh37 (hg19) VCF-style: chr19-54314276-C-CGGT.
Other names: c.634_636dup, p.Thr212_Val213insThr (NM_001277126.2, NM_001277129.1).
Identifiers: ClinVar variation 2820821 (VCV002820821.3), dbSNP rs2514351046, ClinGen allele CA2739277007.

ClinVar aggregate classification (germline): Uncertain significance (1 of 4 stars; one submission).

Conditions:
Familial cold autoinflammatory syndrome 2 (FCAS2). Identifiers: Orphanet 247868, MedGen C2673198, MONDO:0012724, OMIM 611762.

Submission:

Labcorp Genetics (formerly Invitae), Labcorp
Classification: Uncertain significance for Familial cold autoinflammatory syndrome 2. Last evaluated: 2025-04-14. Review status: criteria provided, single submitter. Criteria: Invitae Variant Classification Sherloc (09022015). Collection method: clinical testing. Allele origin: germline.
Comment: This variant, c.634_636dup, results in the insertion of 1 amino acid(s) of the NLRP12 protein (p.Thr212dup), but otherwise preserves the integrity of the reading frame. This variant is not present in population databases (gnomAD no frequency). This variant has not been reported in the literature in individuals affected with NLRP12-related conditions. ClinVar contains an entry for this variant (Variation ID: 2820821). In summary, the available evidence is currently insufficient to determine the role of this variant in disease. Therefore, it has been classified as a Variant of Uncertain Significance.